The following is an entry in ClinVar:

NM_005548.3(KARS1):c.708G>C (p.Leu236=)

Gene: KARS1 (lysyl-tRNA synthetase 1; minus strand). Cytogenetic location: 16q23.1.
Variant type: single nucleotide variant.
Coding change: c.708G>C on transcript NM_005548.3 (MANE Select); coding-DNA position 708, G replaced by C.
Protein change: p.Leu236=; no amino-acid change (leucine 236 retained).
Molecular consequence: synonymous variant.
Genome position (GRCh38, 1-based): chr16:75,635,767, C>G on the plus strand (G>C on the coding strand, the complement: KARS1 is on the minus strand). VCF-style: chr16-75635767-C-G. GRCh37 (hg19) VCF-style: chr16-75669665-C-G.
Other names: p.Leu264=; c.792G>C, p.Leu264= (NM_001130089.2); c.240G>C, p.Leu80= (NM_001378148.1).
Identifiers: ClinVar variation 227455 (VCV000227455.7), dbSNP rs876657479, ClinGen allele CA10577009.

ClinVar aggregate classification (germline): Likely benign. Review status: criteria provided, multiple submitters, no conflicts (2 of 4 stars). 4 submissions from 4 submitters: Likely benign (4). Last evaluated 2025-05-27.

Allele frequency attached by ClinVar (database versions not stated): gnomAD exomes below 0.00001; gnomAD 0.00001; TOPMed 0.00001.
gnomAD v4.1: 29 of 1,614,024 alleles (0.0018%); highest among the groups gnomAD compares: Non-Finnish European, 0.0024%; no homozygotes.

Submissions (4):

Mayo Clinic Laboratories, Mayo Clinic
Classification: Likely benign. Last evaluated: 2025-05-27. Review status: criteria provided, single submitter. Criteria: ACMG Guidelines, 2015. Collection method: clinical testing. Allele origin: germline. Observed: 1 variant allele.
Comment: BP4, BP7

Labcorp Genetics (formerly Invitae), Labcorp
Classification: Likely benign. Last evaluated: 2025-03-24. Review status: criteria provided, single submitter. Criteria: Invitae Variant Classification Sherloc (09022015). Collection method: clinical testing. Allele origin: germline.

Blueprint Genetics
Classification: Likely benign. Last evaluated: 2024-09-16. Review status: criteria provided, single submitter. Criteria: ACMG Guidelines, 2015. Collection method: clinical testing. Allele origin: germline.

Laboratory for Molecular Medicine, Mass General Brigham Personalized Medicine
Classification: Likely benign. Last evaluated: 2015-05-04. Review status: criteria provided, single submitter. Criteria: LMM Criteria. Collection method: clinical testing. Allele origin: germline. Observed: 1 variant allele.
Comment: p.Leu264Leu in exon 7 of KARS: This variant is not expected to have clinical sig nificance because it does not alter an amino acid residue and is not located wit hin the splice consensus sequence.